The following is an entry in ClinVar:

NM_016222.4(DDX41):c.1098+6G>A

Gene: DDX41 (DEAD-box helicase 41; minus strand). Cytogenetic location: 5q35.3.
Variant type: single nucleotide variant.
Coding change: c.1098+6G>A on transcript NM_016222.4 (MANE Select); 6 bases into the intron after coding-DNA position 1098, G replaced by A.
Molecular consequence: intron variant.
Genome position (GRCh38, 1-based): chr5:177,513,679, C>T on the plus strand (G>A on the coding strand, the complement: DDX41 is on the minus strand). VCF-style: chr5-177513679-C-T. GRCh37 (hg19) VCF-style: chr5-176940680-C-T.
Other names: c.720+6G>A (NM_001321830.2, NM_001321732.2); c.1098+6G>A (NM_016222.3).
Identifiers: ClinVar variation 2190381 (VCV002190381.6), dbSNP rs767976806, ClinGen allele CA3584911.
Genomic context (GRCh38, chr5:177,513,679, plus strand): 5'-CCTGCAGTCTGATGTGGCGTGCAGTGGGGGGCGGTGCAGGGTGCCCTGGCCGGGCGGGGG[C>T]GGCACCTTGAAGTAGGAGAAGATGGTACGGATGTCACCCTCGAAGCCCATGTCGATCATG-3'

ClinVar aggregate classification (germline): Uncertain significance. Review status: criteria provided, single submitter (1 of 4 stars). 2 submissions from 2 submitters: Uncertain significance (1). 1 of the submissions does not count toward it. Last evaluated 2025-10-09.

Conditions:
DDX41-related disorder. Also called: DDX41-related condition.

Allele frequency attached by ClinVar (database versions not stated): gnomAD exomes below 0.00001; gnomAD 0.00001; TOPMed 0.00001; ExAC 0.00002.
gnomAD v4.1: 6 of 1,612,836 alleles (0.00037%); highest among the groups gnomAD compares: African/African-American, 0.0027%; no homozygotes.

Submissions (2):

Labcorp Genetics (formerly Invitae), Labcorp
Classification: Uncertain significance. Last evaluated: 2025-10-09. Review status: criteria provided, single submitter. Criteria: Invitae Variant Classification Sherloc (09022015). Collection method: clinical testing. Allele origin: germline.
Comment: This sequence change falls in intron 10 of the DDX41 gene. It does not directly change the encoded amino acid sequence of the DDX41 protein. It affects a nucleotide within the consensus splice site. This variant is present in population databases (rs767976806, gnomAD 0.01%). This variant has not been reported in the literature in individuals affected with DDX41-related conditions. ClinVar contains an entry for this variant (Variation ID: 2190381). Variants that disrupt the consensus splice site are a relatively common cause of aberrant splicing (PMID: 17576681, 9536098). Algorithms developed to predict the effect of sequence changes on RNA splicing suggest that this variant is not likely to affect RNA splicing. In summary, the available evidence is currently insufficient to determine the role of this variant in disease. Therefore, it has been classified as a Variant of Uncertain Significance.

PreventionGenetics, part of Exact Sciences
Classification: Likely benign for DDX41-related condition. Last evaluated: 2022-01-18. Review status: no assertion criteria provided. Collection method: clinical testing. Allele origin: germline. Not counted in ClinVar's aggregate classification.
Comment: This variant is classified as likely benign based on ACMG/AMP sequence variant interpretation guidelines (Richards et al. 2015 PMID: 25741868, with internal and published modifications).

Literature cited by the submitters: PubMed 17576681 (cited by Labcorp Genetics (formerly Invitae), Labcorp); PubMed 9536098 (cited by Labcorp Genetics (formerly Invitae), Labcorp).